The following is an entry in ClinVar:

ClinVar aggregate classification (germline): Pathogenic (1 of 4 stars; one submission).

Conditions:
TH-deficient dopa-responsive dystonia. Also called: Segawa syndrome, autosomal recessive; Tyrosine Hydroxylase-Deficient Dopa-Responsive Dystonia; DYT-TH. Identifiers: Orphanet 101150, MedGen C2673535, MONDO:0011551, OMIM 605407.

Submission:

Myriad Genetics, Inc.
Classification: Pathogenic for TH-deficient dopa-responsive dystonia. Last evaluated: 2024-11-06. Review status: criteria provided, single submitter. Criteria: Myriad Autosomal Dominant, Autosomal Recessive and X-Linked Classification Criteria (2023). Collection method: clinical testing. Allele origin: unknown.
Comment: NM_199292.2(TH):c.1148delG(G383Afs*34) is expected to be pathogenic in the context of tyrosine hydroxylase deficiency. This variant is predicted to lead to an abnormal or absent protein product due to the creation of a premature termination codon in TH, a gene where loss-of-function variants are known to be pathogenic. Please note: this variant was assessed in the context of healthy population screening.

NM_000360.4(TH):c.1055del (p.Gly352fs)

Gene: TH (tyrosine hydroxylase; minus strand). Cytogenetic location: 11p15.5.
Variant type: Deletion.
Coding change: c.1055del on transcript NM_000360.4 (MANE Select); coding-DNA position 1055, one base deleted (G; older notation c.1055delG).
Protein change: p.Gly352fs; shifts the reading frame from glycine 352.
Molecular consequence: frameshift variant.
Genome position (GRCh38, 1-based): chr11:2,166,051, C deleted on the plus strand (G on the coding strand, the reverse complement: TH is on the minus strand); the first of 2 consecutive C bases (chr11:2,166,051-2,166,052); deleting either gives the same sequence. VCF-style (leftmost placement, unchanged base first): chr11-2166050-GC-G. GRCh37 (hg19) VCF-style: chr11-2187280-GC-G.
Other names: c.1067del, p.Gly356fs (NM_001440535.1); c.785del, p.Gly262fs (NM_001440536.1); c.773del, p.Gly258fs (NM_001440537.1); c.1148del, p.Gly383fs (NM_199292.3); c.1136del, p.Gly379fs (NM_199293.3); short protein forms G258fs, G262fs, G352fs, G356fs, G379fs, G383fs.
Identifiers: ClinVar variation 5013717 (VCV005013717.1).